The following is an entry in ClinVar:

ClinVar aggregate classification (germline): Conflicting classifications of pathogenicity. Review status: criteria provided, conflicting classifications (1 of 4 stars). 5 submissions from 5 submitters: Uncertain significance (3); Likely benign (2). Last evaluated 2025-10-06.

Conditions:
Hereditary cancer-predisposing syndrome. Also called: Neoplastic Syndromes, Hereditary; Tumor predisposition; Hereditary Cancer Syndrome; Hereditary neoplastic syndrome. Identifiers: Orphanet 140162, MedGen C0027672, MeSH D009386, MONDO:0015356.
Hereditary breast ovarian cancer syndrome. Also called: Hereditary breast and ovarian cancer syndrome; Hereditary breast and ovarian cancer; Hereditary breast and ovarian cancer syndrome (HBOC); Breast and ovarian cancer; Hereditary breast and/or ovarian cancer syndrome; BRCA1- and BRCA2-Associated Hereditary Breast and Ovarian Cancer. Identifiers: Orphanet 145, MedGen C0677776, MeSH D061325, MONDO:0003582. Disease mechanism: loss of function.

Allele frequency attached by ClinVar (database versions not stated): gnomAD exomes below 0.00001; TOPMed below 0.00001; ExAC 0.00001; ESP Exome Variant Server 0.00008.
gnomAD v4.1: 1 of 1,613,708 alleles (0.000062%); highest among the groups gnomAD compares: African/African-American, 0.0013%; no homozygotes.

Submissions (5):

Labcorp Genetics (formerly Invitae), Labcorp
Classification: Uncertain significance for Hereditary breast ovarian cancer syndrome. Last evaluated: 2025-10-06. Review status: criteria provided, single submitter. Criteria: Invitae Variant Classification Sherloc (09022015). Collection method: clinical testing. Allele origin: germline.
Comment: This sequence change replaces aspartic acid, which is acidic and polar, with asparagine, which is neutral and polar, at codon 1899 of the BRCA2 protein (p.Asp1899Asn). This variant is present in population databases (rs371189402, gnomAD 0.007%). This variant has not been reported in the literature in individuals affected with BRCA2-related conditions. ClinVar contains an entry for this variant (Variation ID: 483134). Invitae Evidence Modeling of protein sequence and biophysical properties (such as structural, functional, and spatial information, amino acid conservation, physicochemical variation, residue mobility, and thermodynamic stability) indicates that this missense variant is not expected to disrupt BRCA2 protein function with a negative predictive value of 95%. In summary, the available evidence is currently insufficient to determine the role of this variant in disease. Therefore, it has been classified as a Variant of Uncertain Significance.

GeneDx
Classification: Uncertain significance. Last evaluated: 2023-09-27. Review status: criteria provided, single submitter. Criteria: GeneDx Variant Classification Process June 2021. Collection method: clinical testing. Allele origin: germline. Affected: yes.
Comment: Observed in a family where one carrier was diagnosed with salivary cancer and another had a benign breast tumor (De Silva et al., 2011); In silico analysis supports that this missense variant does not alter protein structure/function; Not observed at significant frequency in large population cohorts (gnomAD); Also known as 5923G>A; This variant is associated with the following publications: (PMID: 32377563, 29884841, 22977638)

University of Washington Department of Laboratory Medicine, University of Washington
Classification: Likely benign for Hereditary cancer-predisposing syndrome. Last evaluated: 2023-03-23. Review status: criteria provided, single submitter. Criteria: Dines et al. (Genet Med. 2020). Collection method: curation. Allele origin: germline.
Comment: Missense variant in a coldspot region where missense variants are very unlikely to be pathogenic (PMID:31911673).

BRCA2 exon 11 coldspot. Reclassification based on statistical prior probability.

Color Diagnostics, LLC DBA Color Health
Classification: Uncertain significance for Hereditary cancer-predisposing syndrome. Last evaluated: 2019-01-16. Review status: criteria provided, single submitter. Criteria: ACMG Guidelines, 2015. Collection method: clinical testing. Allele origin: germline.

Ambry Genetics
Classification: Likely benign for Hereditary cancer-predisposing syndrome. Last evaluated: 2017-08-28. Review status: criteria provided, single submitter. Criteria: Ambry Variant Classification Scheme 2023. Collection method: clinical testing. Allele origin: germline.

NM_000059.4(BRCA2):c.5695G>A (p.Asp1899Asn)

Gene: BRCA2 (BRCA2 DNA repair associated; plus strand). Cytogenetic location: 13q13.1.
Variant type: single nucleotide variant.
Coding change: c.5695G>A on transcript NM_000059.4 (MANE Select); coding-DNA position 5695, G replaced by A.
Protein change: p.Asp1899Asn; replaces aspartic acid 1899 with asparagine.
Molecular consequence: missense variant.
Genome position (GRCh38, 1-based): chr13:32,340,050, G>A. VCF-style: chr13-32340050-G-A. GRCh37 (hg19) VCF-style: chr13-32914187-G-A.
Other names: short protein forms D1899N.
Identifiers: ClinVar variation 483134 (VCV000483134.23), dbSNP rs371189402, ClinGen allele CA6940897.